The following is an entry in ClinVar:

NM_004278.4(PIGL):c.385A>G (p.Arg129Gly)

Gene: PIGL (phosphatidylinositol glycan anchor biosynthesis class L; plus strand). Cytogenetic location: 17p11.2.
Variant type: single nucleotide variant.
Coding change: c.385A>G on transcript NM_004278.4 (MANE Select); coding-DNA position 385, A replaced by G.
Protein change: p.Arg129Gly; replaces arginine 129 with glycine.
Molecular consequence: missense variant.
Genome position (GRCh38, 1-based): chr17:16,299,937, A>G. VCF-style: chr17-16299937-A-G. GRCh37 (hg19) VCF-style: chr17-16203251-A-G.
Other names: short protein forms R129G.
Identifiers: ClinVar variation 860229 (VCV000860229.8), dbSNP rs2092997442, ClinGen allele CA398479492.
Genomic context (GRCh38, chr17:16,299,937, plus strand): 5'-CTCTCTTGTAGGGATTTCCCAGATGACCCAGGCATGCAGTGGGACACAGAGCACGTGGCC[A>G]GAGTCCTCCTTCAGCACATAGAAGTGAATGGCATCAATCTGGTAAGGGGGCAGCTCCCTG-3'
Protein context (NP_004269.1, residues 119-139): GMQWDTEHVA[Arg129Gly]VLLQHIEVNG

ClinVar aggregate classification (germline): Uncertain significance (1 of 4 stars; one submission).

Submission:

Labcorp Genetics (formerly Invitae), Labcorp
Classification: Uncertain significance. Last evaluated: 2021-04-08. Review status: criteria provided, single submitter. Criteria: Invitae Variant Classification Sherloc (09022015). Collection method: clinical testing. Allele origin: germline.
Comment: In summary, the available evidence is currently insufficient to determine the role of this variant in disease. Therefore, it has been classified as a Variant of Uncertain Significance. Algorithms developed to predict the effect of missense changes on protein structure and function output the following: SIFT: "Deleterious"; PolyPhen-2: "Benign"; Align-GVGD: "Class C0". The glycine amino acid residue is found in multiple mammalian species, suggesting that this missense change does not adversely affect protein function. These predictions have not been confirmed by published functional studies and their clinical significance is uncertain. This variant has not been reported in the literature in individuals with PIGL-related conditions. This variant is not present in population databases (ExAC no frequency). This sequence change replaces arginine with glycine at codon 129 of the PIGL protein (p.Arg129Gly). The arginine residue is weakly conserved and there is a moderate physicochemical difference between arginine and glycine.